The following is an entry in ClinVar:

ClinVar aggregate classification (germline): Uncertain significance (1 of 4 stars; one submission).

Conditions:
Hereditary cancer-predisposing syndrome. Also called: Neoplastic Syndromes, Hereditary; Tumor predisposition; Hereditary Cancer Syndrome; Hereditary neoplastic syndrome. Identifiers: Orphanet 140162, MedGen C0027672, MeSH D009386, MONDO:0015356.

Submission:

Ambry Genetics
Classification: Uncertain significance for Hereditary cancer-predisposing syndrome. Last evaluated: 2026-07-09. Review status: criteria provided, single submitter. Criteria: Ambry Variant Classification Scheme 2023. Collection method: clinical testing. Allele origin: germline.
Comment: The p.R1221K variant (also known as c.3662G>A), located in coding exon 17 of the MET gene, results from a G to A substitution at nucleotide position 3662. The arginine at codon 1221 is replaced by lysine, an amino acid with highly similar properties. This amino acid position is highly conserved in available vertebrate species. In addition, this alteration is predicted to be deleterious by in silico analysis. Based on the available evidence, the clinical significance of this variant remains unclear.

NM_000245.4(MET):c.3608G>A (p.Arg1203Lys)

Gene: MET (MET proto-oncogene, receptor tyrosine kinase; plus strand). Cytogenetic location: 7q31.2.
Variant type: single nucleotide variant.
Coding change: c.3608G>A on transcript NM_000245.4 (MANE Select); coding-DNA position 3608, G replaced by A.
Protein change: p.Arg1203Lys; replaces arginine 1203 with lysine.
Molecular consequence: missense variant.
Genome position (GRCh38, 1-based): chr7:116,782,073, G>A. VCF-style: chr7-116782073-G-A. GRCh37 (hg19) VCF-style: chr7-116422127-G-A.
Other names: c.3662G>A, p.Arg1221Lys (NM_001127500.3); c.2318G>A, p.Arg773Lys (NM_001324402.2); short protein forms R1203K, R1221K, R773K.
Identifiers: ClinVar variation 4053953 (VCV004053953.2).